The following is an entry in ClinVar:

NM_002471.4(MYH6):c.3219T>G (p.Asn1073Lys)

Gene: MYH6 (myosin heavy chain 6; minus strand). Cytogenetic location: 14q11.2.
Variant type: single nucleotide variant.
Coding change: c.3219T>G on transcript NM_002471.4 (MANE Select); coding-DNA position 3219, T replaced by G.
Protein change: p.Asn1073Lys; replaces asparagine 1073 with lysine.
Molecular consequence: missense variant.
Genome position (GRCh38, 1-based): chr14:23,392,944, A>C on the plus strand (T>G on the coding strand, the complement: MYH6 is on the minus strand). VCF-style: chr14-23392944-A-C. GRCh37 (hg19) VCF-style: chr14-23862153-A-C.
Other names: short protein forms N1073K.
Identifiers: ClinVar variation 3297498 (VCV003297498.1).
Genomic context (GRCh38, chr14:23,392,944, plus strand): 5'-GCCCCTCCTGGCCACCACAGTCTCCTACTTCTTAAGCTTTTCTTCCAGCTGCAGTTTATC[A>C]TTTTCCAGGTCCATGATGCTCTCCTGGGTCAGCTTCAGGTCGCCCTCCAGTTTCCGCTTT-3'
Protein context (NP_002462.2, residues 1063-1083): LTQESIMDLE[Asn1073Lys]DKLQLEEKLK

ClinVar aggregate classification (germline): Uncertain significance (1 of 4 stars; one submission).

Conditions:
Cardiovascular phenotype. Identifiers: MedGen CN230736.

Submission:

Ambry Genetics
Classification: Uncertain significance for Cardiovascular phenotype. Last evaluated: 2024-05-27. Review status: criteria provided, single submitter. Criteria: Ambry Variant Classification Scheme 2023. Collection method: clinical testing. Allele origin: germline.
Comment: The p.N1073K variant (also known as c.3219T>G), located in coding exon 22 of the MYH6 gene, results from a T to G substitution at nucleotide position 3219. The asparagine at codon 1073 is replaced by lysine, an amino acid with similar properties. This amino acid position is conserved. In addition, this alteration is predicted to be tolerated by in silico analysis. Based on the available evidence, the clinical significance of this variant remains unclear.